The following is an entry in ClinVar:

ClinVar aggregate classification (germline): Uncertain significance. Review status: criteria provided, multiple submitters, no conflicts (2 of 4 stars). 2 submissions from 2 submitters: Uncertain significance (2). Last evaluated 2024-07-17.

Conditions:
Inborn genetic diseases. Identifiers: MedGen C0950123, MeSH D030342.

gnomAD v4.1: 37 of 1,614,054 alleles (0.0023%); highest among the groups gnomAD compares: Admixed American, 0.0083%; no homozygotes.

Submissions (2):

Ambry Genetics
Classification: Uncertain significance for Inborn genetic diseases. Last evaluated: 2024-07-17. Review status: criteria provided, single submitter. Criteria: Ambry Variant Classification Scheme 2023. Collection method: clinical testing. Allele origin: germline.

Labcorp Genetics (formerly Invitae), Labcorp
Classification: Uncertain significance. Last evaluated: 2024-03-29. Review status: criteria provided, single submitter. Criteria: Invitae Variant Classification Sherloc (09022015). Collection method: clinical testing. Allele origin: germline.
Comment: This sequence change replaces arginine, which is basic and polar, with cysteine, which is neutral and slightly polar, at codon 338 of the SLC9A3R1 protein (p.Arg338Cys). This variant is present in population databases (rs768665440, gnomAD 0.01%). This variant has not been reported in the literature in individuals affected with SLC9A3R1-related conditions. An algorithm developed to predict the effect of missense changes on protein structure and function (PolyPhen-2) suggests that this variant is likely to be disruptive. In summary, the available evidence is currently insufficient to determine the role of this variant in disease. Therefore, it has been classified as a Variant of Uncertain Significance.

NM_004252.5(NHERF1):c.1012C>T (p.Arg338Cys)

Gene: NHERF1 (NHERF family PDZ scaffold protein 1; plus strand). Cytogenetic location: 17q25.1.
Variant type: single nucleotide variant.
Coding change: c.1012C>T on transcript NM_004252.5 (MANE Select); coding-DNA position 1012, C replaced by T.
Protein change: p.Arg338Cys; replaces arginine 338 with cysteine.
Molecular consequence: missense variant.
Genome position (GRCh38, 1-based): chr17:74,768,591, C>T. VCF-style: chr17-74768591-C-T. GRCh37 (hg19) VCF-style: chr17-72764730-C-T.
Other names: short protein forms R338C.
Identifiers: ClinVar variation 3405361 (VCV003405361.3).